The following is an entry in ClinVar:

NM_001267550.2(TTN):c.29057C>T (p.Ala9686Val)

Gene: TTN (titin; minus strand). Cytogenetic location: 2q31.2.
Variant type: single nucleotide variant.
Coding change: c.29057C>T on transcript NM_001267550.2 (MANE Select); coding-DNA position 29057, C replaced by T.
Protein change: p.Ala9686Val; replaces alanine 9686 with valine.
Molecular consequence: missense variant. On other transcripts: intron variant (3).
Genome position (GRCh38, 1-based): chr2:178,706,939, G>A on the plus strand (C>T on the coding strand, the complement: TTN is on the minus strand). VCF-style: chr2-178706939-G-A. GRCh37 (hg19) VCF-style: chr2-179571666-G-A.
Other names: c.28106C>T, p.Ala9369Val (NM_001256850.1); c.25325C>T, p.Ala8442Val (NM_133378.4); c.13282+31143C>T (NM_003319.4); c.13858+31143C>T (NM_133437.4); c.13657+31143C>T (NM_133432.3); short protein forms A8442V, A9369V, A9686V.
Identifiers: ClinVar variation 3369606 (VCV003369606.1).

ClinVar aggregate classification (germline): Uncertain significance (1 of 4 stars; one submission).

gnomAD v4.1: 1 of 1,609,226 alleles (0.000062%); highest among the groups gnomAD compares: Non-Finnish European, 0.000085%; no homozygotes.

Submission:

GeneDx
Classification: Uncertain significance. Last evaluated: 2024-02-26. Review status: criteria provided, single submitter. Criteria: GeneDx Variant Classification Process June 2021. Collection method: clinical testing. Allele origin: germline. Affected: yes.
Comment: Not observed at significant frequency in large population cohorts (gnomAD); Missense variant in a gene in which most reported pathogenic variants are truncating/loss of function; Has not been previously published as pathogenic or benign to our knowledge